The following is an entry in ClinVar:

ClinVar aggregate classification (germline): Conflicting classifications of pathogenicity. Review status: criteria provided, conflicting classifications (1 of 4 stars). 6 submissions from 6 submitters: Uncertain significance (4); Likely benign (1). 1 of the submissions does not count toward it. Last evaluated 2025-02-18.

Conditions:
Hereditary cancer-predisposing syndrome. Also called: Neoplastic Syndromes, Hereditary; Hereditary Cancer Syndrome; Tumor predisposition; Hereditary neoplastic syndrome. Identifiers: Orphanet 140162, MedGen C0027672, MeSH D009386, MONDO:0015356.
Ataxia-telangiectasia syndrome (AT). Also called: Ataxia-telangiectasia, complementation group D; AT, COMPLEMENTATION GROUP C; Ataxia-telangiectasia, complementation group E; Cerebello-oculocutaneous telangiectasia; Immunodeficiency with ataxia telangiectasia; ATAXIA-TELANGIECTASIA, COMPLEMENTATION GROUP A. Identifiers: Orphanet 100, MedGen C0004135, MONDO:0008840, OMIM 208900.

Allele frequency attached by ClinVar (database versions not stated): gnomAD exomes below 0.00001.
gnomAD v4.1: 3 of 1,613,836 alleles (0.00019%); highest among the groups gnomAD compares: Non-Finnish European, 0.00025%; no homozygotes.

Submissions (6):

Labcorp Genetics (formerly Invitae), Labcorp
Classification: Uncertain significance for Ataxia-telangiectasia syndrome. Last evaluated: 2025-02-18. Review status: criteria provided, single submitter. Criteria: Invitae Variant Classification Sherloc (09022015). Collection method: clinical testing. Allele origin: germline.
Comment: This sequence change replaces threonine, which is neutral and polar, with alanine, which is neutral and non-polar, at codon 21 of the ATM protein (p.Thr21Ala). This variant is not present in population databases (gnomAD no frequency). This variant has not been reported in the literature in individuals affected with ATM-related conditions. ClinVar contains an entry for this variant (Variation ID: 585458). Invitae Evidence Modeling of protein sequence and biophysical properties (such as structural, functional, and spatial information, amino acid conservation, physicochemical variation, residue mobility, and thermodynamic stability) indicates that this missense variant is not expected to disrupt ATM protein function with a negative predictive value of 95%. In summary, the available evidence is currently insufficient to determine the role of this variant in disease. Therefore, it has been classified as a Variant of Uncertain Significance.

Ambry Genetics
Classification: Likely benign for Hereditary cancer-predisposing syndrome. Last evaluated: 2025-01-21. Review status: criteria provided, single submitter. Criteria: Ambry Variant Classification Scheme 2023. Collection method: clinical testing. Allele origin: germline.

Color Diagnostics, LLC DBA Color Health
Classification: Uncertain significance for Hereditary cancer-predisposing syndrome. Last evaluated: 2023-10-03. Review status: criteria provided, single submitter. Criteria: ACMG Guidelines, 2015. Collection method: clinical testing. Allele origin: germline.
Comment: This missense variant replaces threonine with alanine at codon 21 of the ATM protein. Computational prediction suggests that this variant may not impact protein structure and function (internally defined REVEL score threshold <= 0.5, PMID: 27666373). To our knowledge, functional studies have not been reported for this variant. This variant has not been reported in individuals affected with ATM-related disorders in the literature. This variant has not been identified in the general population by the Genome Aggregation Database (gnomAD). The available evidence is insufficient to determine the role of this variant in disease conclusively. Therefore, this variant is classified as a Variant of Uncertain Significance.

Spanish ATM Cancer Susceptibility Variant Interpretation Working Group
Classification: Uncertain significance for Hereditary cancer-predisposing syndrome. Last evaluated: 2020-06-17. Review status: criteria provided, single submitter. Criteria: Feliubadaló L et al. (Clin Chem 2021). Collection method: clinical testing. Allele origin: germline. Affected: yes. Observed: 1 heterozygote.
Comment: The c.61A>G p.(Thr21Ala) variant is absent from the gnomAD v2.1.1 non-cancer dataset, in a position with adequate coverage (>20x) (PM2). It is not predicted to lead to a splicing alteration according to SPiCE, and no splicing site is created or activated according to at least 3 splicing predictors of the set SpliceSiteFinderlike - MaxEntScan - NNSplice - GeneSplicer. Also, this missense variant does not alter the protein function / structure on the in-silico prediction reports of REVEL and Vest4 (BP4). There is no other supporting data that meet criteria for consideration. Therefore, the clinical significance of this variant is uncertain. Adapted ACMG/AMP rules applied as defined by the Spanish ATM working group: PM2 + BP4 (PMID: 33280026).

Athena Diagnostics
Classification: Uncertain significance. Last evaluated: 2017-10-18. Review status: criteria provided, single submitter. Criteria: Athena Diagnostics Criteria. Collection method: clinical testing. Allele origin: germline.

Natera, Inc.
Classification: Uncertain significance for Ataxia-telangiectasia. Last evaluated: 2020-04-11. Review status: no assertion criteria provided. Collection method: clinical testing. Allele origin: germline. Not counted in ClinVar's aggregate classification.

Literature cited by the submitters: PubMed 28054583 (cited by Ambry Genetics and Athena Diagnostics).

NM_000051.4(ATM):c.61A>G (p.Thr21Ala)

Gene: ATM (ATM serine/threonine kinase; plus strand). Cytogenetic location: 11q22.3.
Variant type: single nucleotide variant.
Coding change: c.61A>G on transcript NM_000051.4 (MANE Select); coding-DNA position 61, A replaced by G.
Protein change: p.Thr21Ala; replaces threonine 21 with alanine.
Molecular consequence: missense variant.
Genome position (GRCh38, 1-based): chr11:108,227,685, A>G. VCF-style: chr11-108227685-A-G. GRCh37 (hg19) VCF-style: chr11-108098412-A-G.
Other names: c.61A>G, p.Thr21Ala (NM_001351834.2, NM_001351835.2, NM_001351836.2); short protein forms T21A.
Identifiers: ClinVar variation 585458 (VCV000585458.16), dbSNP rs1565344141, ClinGen allele CA382519319.